The following is an entry in ClinVar:

NM_017491.5(WDR1):c.263C>T (p.Thr88Met)

Gene: WDR1 (WD repeat domain 1; minus strand). Cytogenetic location: 4p16.1.
Variant type: single nucleotide variant.
Coding change: c.263C>T on transcript NM_017491.5 (MANE Select); coding-DNA position 263, C replaced by T.
Protein change: p.Thr88Met; replaces threonine 88 with methionine.
Molecular consequence: missense variant. On other transcripts: intron variant (1).
Genome position (GRCh38, 1-based): chr4:10,099,106, G>A on the plus strand (C>T on the coding strand, the complement: WDR1 is on the minus strand). VCF-style: chr4-10099106-G-A. GRCh37 (hg19) VCF-style: chr4-10100730-G-A.
Other names: c.139-10365C>T (NM_005112.5); short protein forms T88M.
Identifiers: ClinVar variation 2185377 (VCV002185377.2), dbSNP rs369246197, ClinGen allele CA2858123.

ClinVar aggregate classification (germline): Uncertain significance. Review status: criteria provided, multiple submitters, no conflicts (2 of 4 stars). 2 submissions from 2 submitters: Uncertain significance (2). Last evaluated 2024-02-13.

Allele frequency attached by ClinVar (database versions not stated): gnomAD 0.00001; gnomAD exomes 0.00001; ExAC 0.00003; ESP Exome Variant Server 0.00008.
gnomAD v4.1: 23 of 1,595,808 alleles (0.0014%); highest among the groups gnomAD compares: Middle Eastern, 0.033%; no homozygotes.

Submissions (2):

Blueprint Genetics
Classification: Uncertain significance. Last evaluated: 2024-02-13. Review status: criteria provided, single submitter. Criteria: ACMG Guidelines, 2015. Collection method: clinical testing. Allele origin: germline.

Labcorp Genetics (formerly Invitae), Labcorp
Classification: Uncertain significance. Last evaluated: 2022-06-13. Review status: criteria provided, single submitter. Criteria: Invitae Variant Classification Sherloc (09022015). Collection method: clinical testing. Allele origin: germline.
Comment: This sequence change replaces threonine, which is neutral and polar, with methionine, which is neutral and non-polar, at codon 88 of the WDR1 protein (p.Thr88Met). This variant is present in population databases (rs369246197, gnomAD 0.01%). This variant has not been reported in the literature in individuals affected with WDR1-related conditions. Algorithms developed to predict the effect of missense changes on protein structure and function are either unavailable or do not agree on the potential impact of this missense change (SIFT: "Deleterious"; PolyPhen-2: "Probably Damaging"; Align-GVGD: "Class C0"). In summary, the available evidence is currently insufficient to determine the role of this variant in disease. Therefore, it has been classified as a Variant of Uncertain Significance.